The following is an entry in ClinVar:

ClinVar aggregate classification (germline): Uncertain significance (1 of 4 stars; one submission).

Conditions:
Hypertrophic cardiomyopathy 14. Identifiers: MedGen C2750467, MONDO:0013197, OMIM 613251.

Allele frequency attached by ClinVar (database versions not stated): TOPMed below 0.00001.

Submission:

Labcorp Genetics (formerly Invitae), Labcorp
Classification: Uncertain significance for Hypertrophic cardiomyopathy 14. Last evaluated: 2017-10-27. Review status: criteria provided, single submitter. Criteria: Invitae Variant Classification Sherloc (09022015). Collection method: clinical testing. Allele origin: germline.
Comment: This sequence change creates a premature translational stop signal (p.Cys539*) in the MYH6 gene. It is expected to result in an absent or disrupted protein product. This variant is not present in population databases (ExAC no frequency). This variant has not been reported in the literature in individuals with MYH6-related disease. The current clinical and genetic evidence is not sufficient to establish whether loss-of-function variants in MYH6 cause disease. In summary, the available evidence is currently insufficient to determine the role of this variant in disease. Therefore, it has been classified as a Variant of Uncertain Significance.

NM_002471.4(MYH6):c.1617C>A (p.Cys539Ter)

Gene: MYH6 (myosin heavy chain 6; minus strand). Cytogenetic location: 14q11.2.
Variant type: single nucleotide variant.
Coding change: c.1617C>A on transcript NM_002471.4 (MANE Select); coding-DNA position 1617, C replaced by A.
Protein change: p.Cys539Ter; replaces cysteine 539 with a stop codon.
Molecular consequence: nonsense.
Genome position (GRCh38, 1-based): chr14:23,399,002, G>T on the plus strand (C>A on the coding strand, the complement: MYH6 is on the minus strand). VCF-style: chr14-23399002-G-T. GRCh37 (hg19) VCF-style: chr14-23868211-G-T.
Other names: short protein forms C539*.
Identifiers: ClinVar variation 537943 (VCV000537943.1), dbSNP rs1555334436, ClinGen allele CA389021027.